The following is an entry in ClinVar:

ClinVar aggregate classification (germline): Likely pathogenic (0 of 4 stars; one submission).

Conditions:
Pyruvate dehydrogenase E1-alpha deficiency (PDHAD). Also called: ATAXIA, INTERMITTENT, WITH PYRUVATE DEHYDROGENASE DEFICIENCY; ATAXIA WITH LACTIC ACIDOSIS I; ATAXIA, INTERMITTENT, WITH ABNORMAL PYRUVATE METABOLISM; Ataxia, intermittent, with pyruvate dehydrogenase, or decarboxylase, deficiency. Identifiers: Orphanet 79243, MedGen C1839413, MONDO:0010717, OMIM 312170.

Submission:

PDHA1 Study Group, University Children’s Hospital, Paracelsus Medical University
Classification: Likely pathogenic for Pyruvate dehydrogenase E1-alpha deficiency. Last evaluated: 2024-10-15. Review status: no assertion criteria provided. Collection method: research. Allele origin: germline. Affected: yes. Observed: 1 variant allele.
Comment: The NM_000284.3:c.1063_1068del (p.Ala355_Asp356del) change is a deletion-insertion (delins) variant in PDHA1 gene. The variant has been reported in 1 published case (PMIDs: 21846590). Last literature search: July 12, 2024. This variant is absent or extremely rare in population-based cohorts in the Genome Aggregation Database (gnomAD). Individuals harboring this variant presented with clinical features compatible with PDHA1-related PDHc deficiency. In summary, this variant meets criteria to be classified as likely pathogenic (LP) for PDHA1-related PDHc deficiency based on the ACMG/AMP criteria applied: PM1, PM2, PM4, PM7 (last assessment October 15, 2024).

Literature cited by the submitters: PubMed 21846590; DOI 10.1093/brain/awaf430.

NM_000284.4(PDHA1):c.1063_1068del (p.Ala355_Asp356del)

Gene: PDHA1 (pyruvate dehydrogenase E1 subunit alpha 1; plus strand). Cytogenetic location: Xp22.12.
Variant type: Deletion.
Coding change: c.1063_1068del on transcript NM_000284.4 (MANE Select); coding-DNA positions 1063 to 1068, 6 bases deleted (GCCGAT; older notation c.1063_1068delGCCGAT).
Protein change: p.Ala355_Asp356del.
Molecular consequence: inframe deletion.
Genome position (GRCh38, 1-based): chrX:19,359,543-19,359,548, GCCGAT deleted. VCF-style (leftmost placement, unchanged base first): chrX-19359542-GGCCGAT-G. GRCh37 (hg19) VCF-style: chrX-19377660-GGCCGAT-G.
Other names: c.1177_1182del, p.Ala393_Asp394del (NM_001173454.2); c.1084_1089del, p.Ala362_Asp363del (NM_001173455.2); c.970_975del, p.Ala324_Asp325del (NM_001173456.2).
Identifiers: ClinVar variation 4070437 (VCV004070437.1).